The following is an entry in ClinVar:

NM_001184.4(ATR):c.2707G>A (p.Val903Ile)

Gene: ATR (ATR checkpoint kinase; minus strand). Cytogenetic location: 3q23.
Variant type: single nucleotide variant.
Coding change: c.2707G>A on transcript NM_001184.4 (MANE Select); coding-DNA position 2707, G replaced by A.
Protein change: p.Val903Ile; replaces valine 903 with isoleucine.
Molecular consequence: missense variant.
Genome position (GRCh38, 1-based): chr3:142,553,325, C>T on the plus strand (G>A on the coding strand, the complement: ATR is on the minus strand). VCF-style: chr3-142553325-C-T. GRCh37 (hg19) VCF-style: chr3-142272167-C-T.
Other names: c.2515G>A, p.Val839Ile (NM_001354579.2); short protein forms V903I, V839I.
Identifiers: ClinVar variation 1908482 (VCV001908482.5), dbSNP rs2108462414, ClinGen allele CA354814650.
Genomic context (GRCh38, chr3:142,553,325, plus strand): 5'-GCAGTTTAACACTTTTAGCTGCAACCAGAGCTCTAATTTCTGTGTATGCTGCTCCAGAGA[C>T]AGATGCTGACTTGGATAACAAACAATGCAATAAGTGTAAGAGTGCAAATGGTACCAAATC-3'
Protein context (NP_001175.2, residues 893-913): LHCLLSKSAS[Val903Ile]SGAAYTEIRA

ClinVar aggregate classification (germline): Uncertain significance (1 of 4 stars; one submission).

Allele frequency attached by ClinVar (database versions not stated): gnomAD exomes 0.00001.
gnomAD v4.1: 8 of 1,614,036 alleles (0.0005%); highest among the groups gnomAD compares: Non-Finnish European, 0.00068%; no homozygotes.

Submission:

Labcorp Genetics (formerly Invitae), Labcorp
Classification: Uncertain significance. Last evaluated: 2022-09-27. Review status: criteria provided, single submitter. Criteria: Invitae Variant Classification Sherloc (09022015). Collection method: clinical testing. Allele origin: germline.
Comment: In summary, the available evidence is currently insufficient to determine the role of this variant in disease. Therefore, it has been classified as a Variant of Uncertain Significance. Algorithms developed to predict the effect of missense changes on protein structure and function output the following: SIFT: "Tolerated"; PolyPhen-2: "Benign"; Align-GVGD: "Class C0". The isoleucine amino acid residue is found in multiple mammalian species, which suggests that this missense change does not adversely affect protein function. This variant has not been reported in the literature in individuals affected with ATR-related conditions. This variant is not present in population databases (gnomAD no frequency). This sequence change replaces valine, which is neutral and non-polar, with isoleucine, which is neutral and non-polar, at codon 903 of the ATR protein (p.Val903Ile).